The following is an entry in ClinVar:

NC_000017.11:g.75834356_75834365delinsTCGGACAAGGTA

Gene: UNC13D (unc-13 homolog D; minus strand). Cytogenetic location: 17q25.1.
Variant type: Indel.
Genome position: GRCh38 VCF-style: chr17-75834356-ATCTCATGGC-TCGGACAAGGTA. GRCh37 (hg19) VCF-style: chr17-73830437-ATCTCATGGC-TCGGACAAGGTA.
Other names: c.2258_2267delinsTACCTTGTCCGA (NM_199242.3); c.2258_2267delinsTACCTTGTCCGA, p.Gly753fs (LRG_122t1).
Identifiers: ClinVar variation 566475 (VCV000566475.7), dbSNP rs1567818219, ClinGen allele CA891844085.
Genomic context (GRCh38, chr17:75,834,356, plus strand): 5'-TGGGGTGACTGTGCGGTCGGACAAGGTACCTGCTCGGCCAGGGTGCGGACGCCAGTGCGG[ATCTCATGGC>TCGGACAAGGTA]CCAGCCCGGCCAGCGCGCTCTGCAGCTGGGCATGCAGCGTGTTCTGCAGCTGCCCCTGCT-3'

ClinVar aggregate classification (germline): Pathogenic/Likely pathogenic. Review status: criteria provided, multiple submitters, no conflicts (2 of 4 stars). 3 submissions from 3 submitters: Pathogenic (2); Likely pathogenic (1). Last evaluated 2025-10-10.

Conditions:
UNC13D-related disorder. Also called: UNC13D-related condition.
Familial hemophagocytic lymphohistiocytosis 3 (FHL3). Also called: UNC13D-Related Familial Hemophagocytic Lymphohistiocytosis (UNC13D-fHLH). Identifiers: Orphanet 540, MedGen C1837174, MONDO:0012146, OMIM 608898.

Submissions (3):

Labcorp Genetics (formerly Invitae), Labcorp
Classification: Pathogenic for Familial hemophagocytic lymphohistiocytosis 3. Last evaluated: 2025-10-10. Review status: criteria provided, single submitter. Criteria: Invitae Variant Classification Sherloc (09022015). Collection method: clinical testing. Allele origin: germline.
Comment: This sequence change creates a premature translational stop signal (p.Gly753Valfs*43) in the UNC13D gene. It is expected to result in an absent or disrupted protein product. Loss-of-function variants in UNC13D are known to be pathogenic (PMID: 14622600). This premature translational stop signal has been observed in individual(s) with hemophagocytic lymphohistiocytosis (PMID: 24470399, 39052144). This variant is also known as c.2258_2267delins12 (p.G753fs*795). For these reasons, this variant has been classified as Pathogenic.

Fulgent Genetics
Classification: Likely pathogenic for Familial hemophagocytic lymphohistiocytosis 3. Last evaluated: 2024-03-18. Review status: criteria provided, single submitter. Criteria: ACMG Guidelines, 2015. Collection method: clinical testing. Allele origin: germline.

Blueprint Genetics
Classification: Pathogenic for UNC13D-related disorders. Last evaluated: 2021-01-05. Review status: criteria provided, single submitter. Criteria: ACMG Guidelines, 2015. Collection method: clinical testing. Allele origin: germline. Affected: yes. Observed: 1 variant allele.

Literature cited by the submitters: PubMed 14622600 (cited by Labcorp Genetics (formerly Invitae), Labcorp); PubMed 24470399 (cited by Labcorp Genetics (formerly Invitae), Labcorp); PubMed 39052144 (cited by Labcorp Genetics (formerly Invitae), Labcorp).